The following is an entry in ClinVar:

NM_003193.5(TBCE):c.146A>C (p.His49Pro)

Gene: TBCE (tubulin folding cofactor E; plus strand). Cytogenetic location: 1q42.3.
Variant type: single nucleotide variant.
Coding change: c.146A>C on transcript NM_003193.5 (MANE Select); coding-DNA position 146, A replaced by C.
Protein change: p.His49Pro; replaces histidine 49 with proline.
Molecular consequence: missense variant. On other transcripts: intron variant (1).
Genome position (GRCh38, 1-based): chr1:235,401,548, A>C. VCF-style: chr1-235401548-A-C. GRCh37 (hg19) VCF-style: chr1-235564863-A-C.
Other names: c.146A>C, p.His49Pro (NM_001079515.3, NM_001287801.2); c.-210-12885A>C (NM_001287802.2); short protein forms H49P.
Identifiers: ClinVar variation 3603883 (VCV003603883.2).

ClinVar aggregate classification (germline): Uncertain significance (1 of 4 stars; one submission).

gnomAD v4.1: 6 of 1,613,902 alleles (0.00037%); highest among the groups gnomAD compares: Admixed American, 0.0067%; no homozygotes.

Submission:

Labcorp Genetics (formerly Invitae), Labcorp
Classification: Uncertain significance. Last evaluated: 2024-03-12. Review status: criteria provided, single submitter. Criteria: Invitae Variant Classification Sherloc (09022015). Collection method: clinical testing. Allele origin: germline.
Comment: This sequence change replaces histidine, which is basic and polar, with proline, which is neutral and non-polar, at codon 49 of the TBCE protein (p.His49Pro). This variant is present in population databases (no rsID available, gnomAD no frequency). This variant has not been reported in the literature in individuals affected with TBCE-related conditions. An algorithm developed to predict the effect of missense changes on protein structure and function (PolyPhen-2) suggests that this variant is likely to be disruptive. In summary, the available evidence is currently insufficient to determine the role of this variant in disease. Therefore, it has been classified as a Variant of Uncertain Significance.